The following is an entry in ClinVar:

NM_001042492.3(NF1):c.4627C>T (p.Leu1543Phe)

Gene: NF1 (neurofibromin 1; plus strand). Cytogenetic location: 17q11.2.
Variant type: single nucleotide variant.
Coding change: c.4627C>T on transcript NM_001042492.3 (MANE Select); coding-DNA position 4627, C replaced by T.
Protein change: p.Leu1543Phe; replaces leucine 1543 with phenylalanine.
Molecular consequence: missense variant.
Genome position (GRCh38, 1-based): chr17:31,261,760, C>T. VCF-style: chr17-31261760-C-T. GRCh37 (hg19) VCF-style: chr17-29588778-C-T.
Other names: c.4564C>T, p.Leu1522Phe (NM_000267.4); short protein forms L1522F, L1543F.
Identifiers: ClinVar variation 1320805 (VCV001320805.5), dbSNP rs2151466305, ClinGen allele CA399000273.

ClinVar aggregate classification (germline): Conflicting classifications of pathogenicity. Review status: criteria provided, conflicting classifications (1 of 4 stars). 2 submissions from 2 submitters: Likely pathogenic (1); Uncertain significance (1). Last evaluated 2025-03-03.

Conditions:
Neurofibromatosis, type 1 (NF1). Also called: NEUROFIBROMATOSIS, TYPE I, SOMATIC; Peripheral type neurofibromatosis; Neurofibromatosis, type I; VON RECKLINGHAUSEN DISEASE. Identifiers: Orphanet 636, MedGen C0027831, MONDO:0018975, OMIM 162200. Disease mechanism: loss of function.

Submissions (2):

Labcorp Genetics (formerly Invitae), Labcorp
Classification: Uncertain significance for Neurofibromatosis, type 1. Last evaluated: 2025-03-03. Review status: criteria provided, single submitter. Criteria: Invitae Variant Classification Sherloc (09022015). Collection method: clinical testing. Allele origin: germline.
Comment: This sequence change replaces leucine, which is neutral and non-polar, with phenylalanine, which is neutral and non-polar, at codon 1522 of the NF1 protein (p.Leu1522Phe). This variant is not present in population databases (gnomAD no frequency). This variant has not been reported in the literature in individuals affected with NF1-related conditions. ClinVar contains an entry for this variant (Variation ID: 1320805). Invitae Evidence Modeling of protein sequence and biophysical properties (such as structural, functional, and spatial information, amino acid conservation, physicochemical variation, residue mobility, and thermodynamic stability) indicates that this missense variant is expected to disrupt NF1 protein function with a positive predictive value of 95%. In summary, the available evidence is currently insufficient to determine the role of this variant in disease. Therefore, it has been classified as a Variant of Uncertain Significance.

GeneDx
Classification: Likely pathogenic. Last evaluated: 2023-03-23. Review status: criteria provided, single submitter. Criteria: GeneDx Variant Classification Process June 2021. Collection method: clinical testing. Allele origin: germline. Affected: yes.
Comment: Not observed in large population cohorts (gnomAD); In silico analysis supports that this missense variant has a deleterious effect on protein structure/function; This variant is associated with the following publications: (PMID: 22807134)